The following is an entry in ClinVar:

ClinVar aggregate classification (germline): Uncertain significance. Review status: criteria provided, multiple submitters, no conflicts (2 of 4 stars). 2 submissions from 2 submitters: Uncertain significance (2). Last evaluated 2025-11-26.

Conditions:
Inborn genetic diseases. Identifiers: MedGen C0950123, MeSH D030342.
Nemaline myopathy 2 (NEM2). Also called: Nemaline myopathy 2, autosomal recessive. Identifiers: MedGen C1850569, MONDO:0009725, OMIM 256030.

Allele frequency attached by ClinVar (database versions not stated): TOPMed below 0.00001.

Submissions (2):

Ambry Genetics
Classification: Uncertain significance for Inborn genetic diseases. Last evaluated: 2025-11-26. Review status: criteria provided, single submitter. Criteria: Ambry Variant Classification Scheme 2023. Collection method: clinical testing. Allele origin: germline.

Labcorp Genetics (formerly Invitae), Labcorp
Classification: Uncertain significance for Nemaline myopathy 2. Last evaluated: 2022-06-20. Review status: criteria provided, single submitter. Criteria: Invitae Variant Classification Sherloc (09022015). Collection method: clinical testing. Allele origin: germline.
Comment: This sequence change replaces proline, which is neutral and non-polar, with glutamine, which is neutral and polar, at codon 3750 of the NEB protein (p.Pro3750Gln). In summary, the available evidence is currently insufficient to determine the role of this variant in disease. Therefore, it has been classified as a Variant of Uncertain Significance. Algorithms developed to predict the effect of missense changes on protein structure and function are either unavailable or do not agree on the potential impact of this missense change (SIFT: "Deleterious"; PolyPhen-2: "Not Available"; Align-GVGD: "Class C0"). ClinVar contains an entry for this variant (Variation ID: 1057923). This variant has not been reported in the literature in individuals affected with NEB-related conditions. This variant is not present in population databases (gnomAD no frequency).

NM_001164508.2(NEB):c.11249C>A (p.Pro3750Gln)

Gene: NEB (nebulin; minus strand). Cytogenetic location: 2q23.3.
Variant type: single nucleotide variant.
Coding change: c.11249C>A on transcript NM_001164508.2 (MANE Select); coding-DNA position 11249, C replaced by A.
Protein change: p.Pro3750Gln; replaces proline 3750 with glutamine.
Molecular consequence: missense variant.
Genome position (GRCh38, 1-based): chr2:151,616,042, G>T on the plus strand (C>A on the coding strand, the complement: NEB is on the minus strand). VCF-style: chr2-151616042-G-T. GRCh37 (hg19) VCF-style: chr2-152472556-G-T.
Other names: c.11249C>A, p.Pro3750Gln (NM_001164507.2, NM_001271208.2); c.10520C>A, p.Pro3507Gln (NM_004543.5); c.10520C>A (NM_004543.4); short protein forms P3507Q, P3750Q.
Identifiers: ClinVar variation 1057923 (VCV001057923.10), dbSNP rs2098183275, ClinGen allele CA348783848.
Genomic context (GRCh38, chr2:151,616,042, plus strand): 5'-TTTCCAAAACATCCACTTACATCACTAGCAATATCTCTTGAAGCCTTGGCTGCTTGGATT[G>T]GAATGGCATCCAGACGCAAGTCATAGCCTTCCTTCTTGGACTCTTCCAAAGCAAGTTTAT-3'
Protein context (NP_001157980.2, residues 3740-3760): EGYDLRLDAI[Pro3750Gln]IQAAKASRDI